The following is an entry in ClinVar:

NM_000238.4(KCNH2):c.442C>T (p.Arg148Trp)

Gene: KCNH2 (potassium voltage-gated channel subfamily H member 2; minus strand). Cytogenetic location: 7q36.1.
Variant type: single nucleotide variant.
Coding change: c.442C>T on transcript NM_000238.4 (MANE Select); coding-DNA position 442, C replaced by T.
Protein change: p.Arg148Trp; replaces arginine 148 with tryptophan.
Molecular consequence: missense variant.
Genome position (GRCh38, 1-based): chr7:150,959,602, G>A on the plus strand (C>T on the coding strand, the complement: KCNH2 is on the minus strand). VCF-style: chr7-150959602-G-A. GRCh37 (hg19) VCF-style: chr7-150656690-G-A.
Other names: p.R148W:CGG>TGG; c.442C>T (LRG_288t1); c.154C>T, p.Arg52Trp (NM_001406753.1, NM_001406756.1); c.265C>T, p.Arg89Trp (NM_001406755.1); c.142C>T, p.Arg48Trp (NM_001406757.1); c.442C>T, p.Arg148Trp (NM_172056.3); short protein forms R148W, R48W, R89W, R52W.
Identifiers: ClinVar variation 67505 (VCV000067505.70), dbSNP rs139544114, ClinGen allele CA008448.

ClinVar aggregate classification (germline): Conflicting classifications of pathogenicity. Review status: criteria provided, conflicting classifications (1 of 4 stars). 21 submissions from 21 submitters: Uncertain significance (4); Benign (5); Likely benign (6). 6 of the submissions do not count toward it. Last evaluated 2026-09-01.

Conditions:
Cardiac arrhythmia. Also called: Cardiac rhythm disease; Arrhythmia. Identifiers: MedGen C0003811, MONDO:0007263, HP:0011675.
Cardiovascular phenotype. Identifiers: MedGen CN230736.
Conduction disorder of the heart. Also called: Cardiac conduction defect. Identifiers: Orphanet 871, MedGen C0264886, MONDO:0100042, OMIM 115080.
Long QT syndrome (LQTS). Identifiers: MedGen C0023976, MeSH D008133, MONDO:0002442. Disease mechanism: loss of function. Inheritance: Various modes of inheritance.
Long QT syndrome 2 (LQT2). Identifiers: Orphanet 101016, Orphanet 768, MedGen C3150943, MONDO:0013367, OMIM 613688.

Allele frequency attached by ClinVar (database versions not stated): 1000 Genomes Project 0.00060; gnomAD 0.00062 and 0.00064; TOPMed 0.00077; 1000 Genomes Project 30x 0.00078; ExAC 0.00106; ESP Exome Variant Server 0.00123.
gnomAD v4.1: 1,293 of 1,614,080 alleles (0.08%); highest among the groups gnomAD compares: South Asian, 0.11%; 7 homozygotes.

Submissions (21):

CeGaT Center for Human Genetics Tuebingen
Classification: Likely benign. Last evaluated: 2026-09-01. Review status: criteria provided, single submitter. Criteria: CeGaT Center For Human Genetics Tuebingen Variant Classification Criteria Version 2. Collection method: clinical testing. Allele origin: germline. Affected: yes. Observed: 38 variant alleles.
Comment: KCNH2: BS1

Labcorp Genetics (formerly Invitae), Labcorp
Classification: Likely benign for Long QT syndrome. Last evaluated: 2026-02-03. Review status: criteria provided, single submitter. Criteria: Invitae Variant Classification Sherloc (09022015). Collection method: clinical testing. Allele origin: germline.

Women's Health and Genetics/Laboratory Corporation of America, LabCorp
Classification: Likely benign. Last evaluated: 2025-05-22. Review status: criteria provided, single submitter. Criteria: LabCorp Variant Classification Summary - May 2015. Collection method: clinical testing. Allele origin: germline.

Blueprint Genetics
Classification: Likely benign. Last evaluated: 2024-09-30. Review status: criteria provided, single submitter. Criteria: ACMG Guidelines, 2015. Collection method: clinical testing. Allele origin: germline.

Dept of Medical Biology, Uskudar University
Classification: Uncertain significance for Long QT syndrome. Last evaluated: 2024-01-08. Review status: criteria provided, single submitter. Criteria: Dept of Medical Biology Variant Classification. Collection method: research. Allele origin: unknown. Affected: yes. Observed: 1 variant allele.
Comment: Criteria: PP2, PP3, BS1

GeneDx
Classification: Benign. Last evaluated: 2020-03-10. Review status: criteria provided, single submitter. Criteria: GeneDx Variant Classification Process June 2021. Collection method: clinical testing. Allele origin: germline. Affected: yes.
Comment: The R148W variant has been observed in 0.1% global alleles, including 1.6% of alleles from individuals of Ashkenazi Jewish ancestry and three individuals reported to be homozygous, in large population cohorts (Lek et al., 2016).; This variant is associated with the following publications: (PMID: 17088455, 19322600, 19841300, 20400443, 21410720, 22949429, 24055113, 23465283, 24334129, 25637381, 26159999, 27153395, 27875062, 27650965, 28988457, 31043699, 32048431)

Molecular Diagnostic Laboratory for Inherited Cardiovascular Disease, Montreal Heart Institute
Classification: Uncertain significance for Conduction disorder of the heart. Last evaluated: 2019-06-27. Review status: criteria provided, single submitter. Criteria: ACMG Guidelines, 2015. Collection method: clinical testing. Allele origin: germline. Affected: yes.

Mendelics
Classification: Benign for Long QT syndrome 2. Last evaluated: 2019-05-28. Review status: criteria provided, single submitter. Criteria: Mendelics Assertion Criteria 2017. Collection method: clinical testing. Allele origin: unknown.

Color Diagnostics, LLC DBA Color Health
Classification: Benign for Arrhythmia. Last evaluated: 2018-03-16. Review status: criteria provided, single submitter. Criteria: ACMG Guidelines, 2015. Collection method: clinical testing. Allele origin: germline.

Ambry Genetics
Classification: Benign for Cardiovascular phenotype. Last evaluated: 2017-10-20. Review status: criteria provided, single submitter. Criteria: Ambry Variant Classification Scheme 2023. Collection method: clinical testing. Allele origin: germline.

Illumina Laboratory Services, Illumina
Classification: Likely benign for Long QT syndrome 2. Last evaluated: 2017-04-27. Review status: criteria provided, single submitter. Criteria: ICSL Variant Classification Criteria 13 December 2019. Collection method: clinical testing. Allele origin: germline.
Comment: This variant was observed as part of a predisposition screen in an ostensibly healthy population. A literature search was performed for the gene, cDNA change, and amino acid change (where applicable). Publications were found based on this search. The evidence from the literature, in combination with allele frequency data from public databases where available, was sufficient to determine this variant is unlikely to cause disease. Therefore, this variant is classified as likely benign.

Eurofins Ntd Llc (ga)
Classification: Likely benign. Last evaluated: 2016-10-31. Review status: criteria provided, single submitter. Criteria: EGL Classification Definitions 2015. Collection method: clinical testing. Allele origin: germline. Observed: 3 variant alleles, 3 heterozygotes.

Laboratory for Molecular Medicine, Mass General Brigham Personalized Medicine
Classification: Uncertain significance. Last evaluated: 2016-04-25. Review status: criteria provided, single submitter. Criteria: LMM Criteria. Collection method: clinical testing. Allele origin: germline.
Comment: Variant identified in a genome or exome case(s) and assessed due to predicted null impact of the variant or pathogenic assertions in the literature or databases. Disclaimer: This variant has not undergone full assessment. The following are preliminary notes: Multiple reports as VUS/polymorphism, ExAC: 0.1% (99/66588) European chromosomes

Biesecker Lab/Clinical Genomics Section, National Institutes of Health
Classification: Benign for Long QT syndrome. Last evaluated: 2013-06-24. Review status: criteria provided, single submitter. Criteria: Ng et al. (Circ Cardiovasc Genet. 2013). Collection method: research. Allele origin: unknown. Observed: 9 variant alleles. Study: ClinSeq.
Comment: The study set was not selected for affection status in relation to any cancer. Pathogenicity categories were based on literature curation. See Pubmed ID:23861362 for details.

Medical sequencing

Stanford Center for Inherited Cardiovascular Disease, Stanford University
Classification: Uncertain significance. Last evaluated: 2013-01-18. Review status: criteria provided, single submitter. Criteria: ACMG Guidelines, 2015. Collection method: provider interpretation. Allele origin: germline.

CSER _CC_NCGL, University of Washington
Classification: Uncertain significance for Long QT syndrome. Last evaluated: 2014-06-01. Review status: no assertion criteria provided. Collection method: research. Allele origin: germline. Inheritance: Autosomal dominant inheritance. Study: ESP 6500 variant annotation. Not counted in ClinVar's aggregate classification.
Comment: Variants classified for the Actionable exomic incidental findings in 6503 participants: challenges of variant classification manuscript

Cardiovascular Biomedical Research Unit, Royal Brompton & Harefield NHS Foundation Trust
No classification provided. Review status: no classification provided. Collection method: literature only. Allele origin: germline. Not counted in ClinVar's aggregate classification.
Comment: This variant has been reported in the following publications (PMID:19322600;PMID:19841300;PMID:21410720).

Clinical Genetics DNA and cytogenetics Diagnostics Lab, Erasmus MC, Erasmus Medical Center
Classification: Likely benign. Review status: no assertion criteria provided. Collection method: clinical testing. Allele origin: germline. Affected: yes. Study: VKGL Data-share Consensus. Not counted in ClinVar's aggregate classification.

Clinical Genetics, Academic Medical Center
Classification: Likely benign. Review status: no assertion criteria provided. Collection method: clinical testing. Allele origin: germline. Affected: yes. Study: VKGL Data-share Consensus. Not counted in ClinVar's aggregate classification.

Genome Diagnostics Laboratory, University Medical Center Utrecht
Classification: Likely benign. Review status: no assertion criteria provided. Collection method: clinical testing. Allele origin: germline. Affected: yes. Study: VKGL Data-share Consensus. Not counted in ClinVar's aggregate classification.

Joint Genome Diagnostic Labs from Nijmegen and Maastricht, Radboudumc and MUMC+
Classification: Likely benign. Review status: no assertion criteria provided. Collection method: clinical testing. Allele origin: germline. Affected: yes. Study: VKGL Data-share Consensus. Not counted in ClinVar's aggregate classification.

Literature cited by the submitters: PubMed 17088455 (cited by Ambry Genetics); PubMed 19322600 (cited by 3 submitters); PubMed 19841300 (cited by 3 submitters); PubMed 21410720 (cited by 3 submitters); PubMed 23631430 (cited by Ambry Genetics); PubMed 23861362 (cited by Ambry Genetics); PubMed 24334129 (cited by Ambry Genetics); PubMed 25637381 (cited by Ambry Genetics); PubMed 26159999 (cited by Ambry Genetics); PubMed 22677073 (cited by Illumina Laboratory Services, Illumina); PubMed 23465283 (cited by Illumina Laboratory Services, Illumina); PubMed 22581653 (cited by Cardiovascular Biomedical Research Unit, Royal Brompton & Harefield NHS Foundation Trust).